The following is an entry in ClinVar:

ClinVar aggregate classification (germline): Conflicting classifications of pathogenicity. Review status: criteria provided, conflicting classifications (1 of 4 stars). 3 submissions from 3 submitters: Uncertain significance (1); Benign (1). 1 of the submissions does not count toward it. Last evaluated 2026-01-28.

Conditions:
CC2D1A-related disorder. Also called: CC2D1A-related condition.
Inborn genetic diseases. Identifiers: MedGen C0950123, MeSH D030342.

Allele frequency attached by ClinVar (database versions not stated): gnomAD below 0.00001 and 0.00007; TOPMed 0.00002; 1000 Genomes Project 30x 0.00031; 1000 Genomes Project 0.00040; gnomAD exomes 0.00040; ExAC 0.00046.

Submissions (3):

Labcorp Genetics (formerly Invitae), Labcorp
Classification: Benign. Last evaluated: 2026-01-28. Review status: criteria provided, single submitter. Criteria: Invitae Variant Classification Sherloc (09022015). Collection method: clinical testing. Allele origin: germline.

Ambry Genetics
Classification: Uncertain significance for Inborn genetic diseases. Last evaluated: 2017-11-14. Review status: criteria provided, single submitter. Criteria: Ambry Variant Classification Scheme 2023. Collection method: clinical testing. Allele origin: germline.
Comment: The c.313-4G>A intronic variant results from a G to A substitution 4 nucleotides upstream from coding exon 4 in the CC2D1A gene. This nucleotide position is not well conserved in available vertebrate species. Using the BDGP and ESEfinder splice site prediction tools, this alteration is not predicted to have any significant effect on this splice acceptor site; however, direct evidence is unavailable. Since supporting evidence is limited at this time, the clinical significance of this alteration remains unclear.

PreventionGenetics, part of Exact Sciences
Classification: Likely benign for CC2D1A-related condition. Last evaluated: 2019-06-07. Review status: no assertion criteria provided. Collection method: clinical testing. Allele origin: germline. Not counted in ClinVar's aggregate classification.
Comment: This variant is classified as likely benign based on ACMG/AMP sequence variant interpretation guidelines (Richards et al. 2015 PMID: 25741868, with internal and published modifications).

NM_017721.5(CC2D1A):c.313-4G>A

Gene: CC2D1A (coiled-coil and C2 domain containing 1A; plus strand). Cytogenetic location: 19p13.12.
Variant type: single nucleotide variant.
Coding change: c.313-4G>A on transcript NM_017721.5 (MANE Select); 4 bases into the intron before coding-DNA position 313, G replaced by A.
Molecular consequence: intron variant.
Genome position (GRCh38, 1-based): chr19:13,912,524, G>A. VCF-style: chr19-13912524-G-A. GRCh37 (hg19) VCF-style: chr19-14023337-G-A.
Identifiers: ClinVar variation 733400 (VCV000733400.10), dbSNP rs201853183, ClinGen allele CA9244247.